The following is an entry in ClinVar:

ClinVar aggregate classification (germline): Uncertain significance. Review status: criteria provided, multiple submitters, no conflicts (2 of 4 stars). 2 submissions from 2 submitters: Uncertain significance (2). Last evaluated 2024-10-31.

Conditions:
Hereditary cancer-predisposing syndrome. Also called: Hereditary neoplastic syndrome; Neoplastic Syndromes, Hereditary; Tumor predisposition; Hereditary Cancer Syndrome. Identifiers: Orphanet 140162, MedGen C0027672, MeSH D009386, MONDO:0015356.
Tumor predisposition syndrome 3 (TPDS3). Also called: Melanoma, cutaneous malignant, susceptibility to, 10; Glioma susceptibility 9; LONG TELOMERE SYNDROME, POT1-RELATED; POT1 Tumor Predisposition. Identifiers: Orphanet 618, MedGen C4014476, MONDO:0014368, OMIM 615848.

gnomAD v4.1: 4 of 1,582,046 alleles (0.00025%); highest among the groups gnomAD compares: South Asian, 0.0047%; no homozygotes.

Submissions (2):

Ambry Genetics
Classification: Uncertain significance for Hereditary cancer-predisposing syndrome. Last evaluated: 2024-10-31. Review status: criteria provided, single submitter. Criteria: Ambry Variant Classification Scheme 2023. Collection method: clinical testing. Allele origin: germline.
Comment: The p.Q341P variant (also known as c.1022A>C), located in coding exon 9 of the POT1 gene, results from an A to C substitution at nucleotide position 1022. The glutamine at codon 341 is replaced by proline, an amino acid with similar properties. This amino acid position is conserved. In addition, the in silico prediction for this alteration is inconclusive. Based on the available evidence, the clinical significance of this variant remains unclear.

Labcorp Genetics (formerly Invitae), Labcorp
Classification: Uncertain significance for Tumor predisposition syndrome 3. Last evaluated: 2023-08-18. Review status: criteria provided, single submitter. Criteria: Invitae Variant Classification Sherloc (09022015). Collection method: clinical testing. Allele origin: germline.
Comment: In summary, the available evidence is currently insufficient to determine the role of this variant in disease. Therefore, it has been classified as a Variant of Uncertain Significance. Advanced modeling of protein sequence and biophysical properties (such as structural, functional, and spatial information, amino acid conservation, physicochemical variation, residue mobility, and thermodynamic stability) performed at Invitae indicates that this missense variant is not expected to disrupt POT1 protein function. This variant has not been reported in the literature in individuals affected with POT1-related conditions. This variant is not present in population databases (gnomAD no frequency). This sequence change replaces glutamine, which is neutral and polar, with proline, which is neutral and non-polar, at codon 341 of the POT1 protein (p.Gln341Pro).

NM_015450.3(POT1):c.1022A>C (p.Gln341Pro)

Gene: POT1 (protection of telomeres 1; minus strand). Cytogenetic location: 7q31.33.
Variant type: single nucleotide variant.
Coding change: c.1022A>C on transcript NM_015450.3 (MANE Select); coding-DNA position 1022, A replaced by C.
Protein change: p.Gln341Pro; replaces glutamine 341 with proline.
Molecular consequence: missense variant. On other transcripts: non-coding transcript variant (3).
Genome position (GRCh38, 1-based): chr7:124,842,948, T>G on the plus strand (A>C on the coding strand, the complement: POT1 is on the minus strand). VCF-style: chr7-124842948-T-G. GRCh37 (hg19) VCF-style: chr7-124483002-T-G.
Other names: c.1022A>C (NM_015450.2); c.629A>C, p.Gln210Pro (NM_001042594.2); short protein forms Q341P, Q210P.
Identifiers: ClinVar variation 2898825 (VCV002898825.4), dbSNP rs554325914, ClinGen allele CA369068613.